The following is an entry in ClinVar:

NM_001206927.2(DNAH8):c.928A>G (p.Asn310Asp)

Gene: DNAH8 (dynein axonemal heavy chain 8; plus strand). Cytogenetic location: 6p21.2.
Variant type: single nucleotide variant.
Coding change: c.928A>G on transcript NM_001206927.2 (MANE Select); coding-DNA position 928, A replaced by G.
Protein change: p.Asn310Asp; replaces asparagine 310 with aspartic acid.
Molecular consequence: missense variant.
Genome position (GRCh38, 1-based): chr6:38,737,232, A>G. VCF-style: chr6-38737232-A-G. GRCh37 (hg19) VCF-style: chr6-38705008-A-G.
Other names: c.277A>G, p.Asn93Asp (NM_001371.4); short protein forms N310D, N93D.
Identifiers: ClinVar variation 4751929 (VCV004751929.1).

ClinVar aggregate classification (germline): Uncertain significance (1 of 4 stars; one submission).

Conditions:
Primary ciliary dyskinesia. Also called: Ciliary dyskinesia. Identifiers: Orphanet 244, MedGen C0008780, MONDO:0016575, HP:0012265.

Submission:

Labcorp Genetics (formerly Invitae), Labcorp
Classification: Uncertain significance for Primary ciliary dyskinesia. Last evaluated: 2025-11-25. Review status: criteria provided, single submitter. Criteria: Invitae Variant Classification Sherloc (09022015). Collection method: clinical testing. Allele origin: germline.
Comment: This sequence change replaces asparagine, which is neutral and polar, with aspartic acid, which is acidic and polar, at codon 310 of the DNAH8 protein (p.Asn310Asp). This variant is present in population databases (rs752382452, gnomAD 0.01%). This variant has not been reported in the literature in individuals affected with DNAH8-related conditions. Experimental studies and prediction algorithms are not available or were not evaluated, and the functional significance of this variant is currently unknown. In summary, the available evidence is currently insufficient to determine the role of this variant in disease. Therefore, it has been classified as a Variant of Uncertain Significance.